The following is an entry in ClinVar:

ClinVar aggregate classification (germline): Uncertain significance. Review status: criteria provided, multiple submitters, no conflicts (2 of 4 stars). 2 submissions from 2 submitters: Uncertain significance (2). Last evaluated 2025-11-04.

Conditions:
SHORT syndrome. Also called: LIPODYSTROPHY, PARTIAL, WITH RIEGER ANOMALY AND SHORT STATURE; PIK3R1-Related SHORT Syndrome; SHORT STATURE, HYPEREXTENSIBILITY, HERNIA, OCULAR DEPRESSION, RIEGER ANOMALY, AND TEETHING DELAY. Identifiers: Orphanet 3163, MedGen C0878684, MONDO:0010026, OMIM 269880.
Agammaglobulinemia 7, autosomal recessive (AGM7). Also called: AGAMMAGLOBULINEMIA, AUTOSOMAL RECESSIVE, DUE TO PIK3R1 DEFECT. Identifiers: MedGen C3554689, MONDO:0014083, OMIM 615214.
Immunodeficiency 36 with lymphoproliferation. Also called: Immunodeficiency 36; ACTIVATED PI3K-DELTA SYNDROME 2; Activated PI3K Delta Syndrome Type 2 (APDS2). Identifiers: Orphanet 397596, Orphanet 693681, MedGen C4014934, MONDO:0014453, OMIM 616005.

Allele frequency attached by ClinVar (database versions not stated): ExAC 0.00001; gnomAD 0.00002; TOPMed 0.00003.
gnomAD v4.1: 83 of 1,613,968 alleles (0.0051%); highest among the groups gnomAD compares: Non-Finnish European, 0.0061%; no homozygotes.

Submissions (2):

Labcorp Genetics (formerly Invitae), Labcorp
Classification: Uncertain significance for SHORT syndrome; Immunodeficiency 36 with lymphoproliferation; Agammaglobulinemia 7, autosomal recessive. Last evaluated: 2025-11-04. Review status: criteria provided, single submitter. Criteria: Invitae Variant Classification Sherloc (09022015). Collection method: clinical testing. Allele origin: germline.
Comment: This sequence change replaces methionine, which is neutral and non-polar, with valine, which is neutral and non-polar, at codon 271 of the PIK3R1 protein (p.Met271Val). This variant is present in population databases (rs761209777, gnomAD 0.01%). This variant has not been reported in the literature in individuals affected with PIK3R1-related conditions. ClinVar contains an entry for this variant (Variation ID: 2929400). An algorithm developed to predict the effect of missense changes on protein structure and function outputs the following: PolyPhen-2: "Benign". The valine amino acid residue is found in multiple mammalian species, which suggests that this missense change does not adversely affect protein function. In summary, the available evidence is currently insufficient to determine the role of this variant in disease. Therefore, it has been classified as a Variant of Uncertain Significance.

Neuberg Centre For Genomic Medicine, NCGM
Classification: Uncertain significance for Immunodeficiency 36 with lymphoproliferation. Last evaluated: 2023-05-20. Review status: criteria provided, single submitter. Criteria: ACMG Guidelines, 2015. Collection method: clinical testing. Allele origin: germline. Inheritance: Autosomal dominant inheritance. Affected: yes.
Comment: The observed missense variant c.811A>G (p.Met271Val) in PIK3R1 gene has not been reported previously as a pathogenic variant nor as a benign variant, to our knowledge. The p.Met271Val variant is present with an allele frequency of 0.002% on gnomAD exomes database. This variant has not been submitted to the ClinVar database. Multiple lines of computational evidence (SIFT - tolerated; Polyphen - benign; MutationTaster - polymorphism) predict no damaging effect on protein structure and function for this variant. The amino acid change p.Met271Val in PIK3R1 is predicted as conserved by PhyloP across 100 vertebrates. The amino acid Met at position 271 is changed to a Val changing protein sequence and it might alter its composition and physico-chemical properties. For these reasons, this variant has been classified as a Variant of Uncertain Significance (VUS).

NM_181523.3(PIK3R1):c.811A>G (p.Met271Val)

Gene: PIK3R1 (phosphoinositide-3-kinase regulatory subunit 1; plus strand). Cytogenetic location: 5q13.1.
Variant type: single nucleotide variant.
Coding change: c.811A>G on transcript NM_181523.3 (MANE Select); coding-DNA position 811, A replaced by G.
Protein change: p.Met271Val; replaces methionine 271 with valine.
Molecular consequence: missense variant.
Genome position (GRCh38, 1-based): chr5:68,280,704, A>G. VCF-style: chr5-68280704-A-G. GRCh37 (hg19) VCF-style: chr5-67576532-A-G.
Other names: short protein forms M271V.
Identifiers: ClinVar variation 2929400 (VCV002929400.4), dbSNP rs761209777, ClinGen allele CA3290138.